The following is an entry in ClinVar:

NM_000493.4(COL10A1):c.160G>C (p.Ala54Pro)

Genes: COL10A1 (collagen type X alpha 1 chain; minus strand), NT5DC1 (5'-nucleotidase domain containing 1; plus strand). Cytogenetic location: 6q22.1.
Variant type: single nucleotide variant.
Coding change: c.160G>C on transcript NM_000493.4 (MANE Select); coding-DNA position 160, G replaced by C.
Protein change: p.Ala54Pro; replaces alanine 54 with proline.
Molecular consequence: missense variant. On other transcripts: intron variant (1).
Genome position (GRCh38, 1-based): chr6:116,121,956, C>G on the plus strand (G>C on the coding strand, the complement: COL10A1 is on the minus strand). VCF-style: chr6-116121956-C-G. GRCh37 (hg19) VCF-style: chr6-116443119-C-G.
Other names: c.160G>C, p.Ala54Pro (NM_001424106.1, NM_001424107.1); c.529+4011C>G (NM_152729.3); short protein forms A54P.
Identifiers: ClinVar variation 4768955 (VCV004768955.1).

ClinVar aggregate classification (germline): Uncertain significance (1 of 4 stars; one submission).

gnomAD v4.1: 25 of 1,611,964 alleles (0.0016%); highest among the groups gnomAD compares: South Asian, 0.027%; 1 homozygote.

Submission:

Labcorp Genetics (formerly Invitae), Labcorp
Classification: Uncertain significance. Last evaluated: 2025-12-29. Review status: criteria provided, single submitter. Criteria: Invitae Variant Classification Sherloc (09022015). Collection method: clinical testing. Allele origin: germline.
Comment: This sequence change replaces alanine, which is neutral and non-polar, with proline, which is neutral and non-polar, at codon 54 of the COL10A1 protein (p.Ala54Pro). This variant is present in population databases (rs760982462, gnomAD 0.02%). This variant has not been reported in the literature in individuals affected with COL10A1-related conditions. An algorithm developed to predict the effect of missense changes on protein structure and function outputs the following: PolyPhen-2: "Not Available". The proline amino acid residue is found in multiple mammalian species, which suggests that this missense change does not adversely affect protein function. In summary, the available evidence is currently insufficient to determine the role of this variant in disease. Therefore, it has been classified as a Variant of Uncertain Significance.